The following is an entry in ClinVar:

ClinVar aggregate classification (germline): Uncertain significance (1 of 4 stars; one submission).

gnomAD v4.1: 2 of 1,549,732 alleles (0.00013%); highest among the groups gnomAD compares: South Asian, 0.0012%; no homozygotes.

Submission:

CeGaT Center for Human Genetics Tuebingen
Classification: Uncertain significance. Last evaluated: 2023-10-01. Review status: criteria provided, single submitter. Criteria: CeGaT Center For Human Genetics Tuebingen Variant Classification Criteria Version 2. Collection method: clinical testing. Allele origin: germline. Affected: yes. Observed: 1 variant allele.
Comment: NUS1: PM2, PP2

NM_138459.5(NUS1):c.338G>T (p.Ser113Ile)

Gene: NUS1 (NUS1 dehydrodolichyl diphosphate synthase subunit; plus strand). Cytogenetic location: 6q22.1.
Variant type: single nucleotide variant.
Coding change: c.338G>T on transcript NM_138459.5 (MANE Select); coding-DNA position 338, G replaced by T.
Protein change: p.Ser113Ile; replaces serine 113 with isoleucine.
Molecular consequence: missense variant.
Genome position (GRCh38, 1-based): chr6:117,676,008, G>T. VCF-style: chr6-117676008-G-T. GRCh37 (hg19) VCF-style: chr6-117997171-G-T.
Other names: short protein forms S113I.
Identifiers: ClinVar variation 2656880 (VCV002656880.24), dbSNP rs1772973502, ClinGen allele CA365536399.